The following is an entry in ClinVar:

NM_006267.5(RANBP2):c.2296G>C (p.Gly766Arg)

Gene: RANBP2 (RAN binding protein 2; plus strand). Cytogenetic location: 2q13.
Variant type: single nucleotide variant.
Coding change: c.2296G>C on transcript NM_006267.5 (MANE Select); coding-DNA position 2296, G replaced by C.
Protein change: p.Gly766Arg; replaces glycine 766 with arginine.
Molecular consequence: missense variant.
Genome position (GRCh38, 1-based): chr2:108,754,998, G>C. VCF-style: chr2-108754998-G-C. GRCh37 (hg19) VCF-style: chr2-109371454-G-C.
Other names: short protein forms G766R.
Identifiers: ClinVar variation 808789 (VCV000808789.47), dbSNP rs773278648, ClinGen allele CA1822623.

ClinVar aggregate classification (germline): Uncertain significance. Review status: criteria provided, multiple submitters, no conflicts (2 of 4 stars). 2 submissions from 2 submitters: Uncertain significance (2). Last evaluated 2022-01-14.

Conditions:
Familial acute necrotizing encephalopathy (IIAE3). Also called: Susceptibility to Acute Necrotizing Encephalopathy 1; ENCEPHALOPATHY, ACUTE, INFECTION-INDUCED, SUSCEPTIBILITY TO, 3. Identifiers: Orphanet 88619, MedGen C2675556, MONDO:0011953, OMIM 608033.

Allele frequency attached by ClinVar (database versions not stated): gnomAD exomes 0.00002 and 0.00006; TOPMed 0.00002; gnomAD 0.00004; ExAC 0.00006.
gnomAD v4.1: 35 of 1,611,702 alleles (0.0022%); highest among the groups gnomAD compares: Admixed American, 0.01%; no homozygotes.

Submissions (2):

Labcorp Genetics (formerly Invitae), Labcorp
Classification: Uncertain significance for Familial acute necrotizing encephalopathy. Last evaluated: 2022-01-14. Review status: criteria provided, single submitter. Criteria: Invitae Variant Classification Sherloc (09022015). Collection method: clinical testing. Allele origin: germline.
Comment: This variant is present in population databases (rs773278648, gnomAD 0.02%). This sequence change replaces glycine, which is neutral and non-polar, with arginine, which is basic and polar, at codon 766 of the RANBP2 protein (p.Gly766Arg). In summary, the available evidence is currently insufficient to determine the role of this variant in disease. Therefore, it has been classified as a Variant of Uncertain Significance. Algorithms developed to predict the effect of missense changes on protein structure and function are either unavailable or do not agree on the potential impact of this missense change (SIFT: "Deleterious"; PolyPhen-2: "Benign"; Align-GVGD: "Class C65"). ClinVar contains an entry for this variant (Variation ID: 808789). This variant has not been reported in the literature in individuals affected with RANBP2-related conditions.

CeGaT Center for Human Genetics Tuebingen
Classification: Uncertain significance. Last evaluated: 2018-11-01. Review status: criteria provided, single submitter. Criteria: CeGaT Center For Human Genetics Tuebingen Variant Classification Criteria Version 2. Collection method: clinical testing. Allele origin: germline. Affected: yes. Observed: 2 variant alleles.